The following is an entry in ClinVar:

NM_001384474.1(LOXHD1):c.495dup (p.Met166fs)

Gene: LOXHD1 (lipoxygenase homology PLAT domains 1; minus strand). Cytogenetic location: 18q21.1.
Variant type: Duplication.
Coding change: c.495dup on transcript NM_001384474.1 (MANE Select); coding-DNA position 495, one base duplicated (C; older notation c.495dupC).
Protein change: p.Met166fs; shifts the reading frame from methionine 166.
Molecular consequence: frameshift variant.
Genome position (GRCh38, 1-based): chr18:46,639,632, G duplicated on the plus strand (C on the coding strand, the reverse complement: LOXHD1 is on the minus strand); the first of 4 consecutive G bases (chr18:46,639,632-46,639,635); duplicating any one gives the same sequence. VCF-style (leftmost placement, unchanged base first): chr18-46639631-T-TG. GRCh37 (hg19) VCF-style: chr18-44219594-T-TG.
Other names: c.495dup, p.Met166fs (NM_144612.7); short protein forms M166fs.
Identifiers: ClinVar variation 5003589 (VCV005003589.1).
Genomic context (GRCh38, chr18:46,639,631, plus strand): 5'-GCCCAGCTAGGGAGGGATGGCAGGCAGGCCAGCCTAGGCACTGACCTCTGGGCATGTCCA[T>TG]GGGGTTGAAGCTGGCCAGCAGGTCACGGCACCACTGGCGGTCACCTTCCACCTTGCTCAG-3'

ClinVar aggregate classification (germline): Pathogenic (1 of 4 stars; one submission).

Conditions:
Autosomal recessive nonsyndromic hearing loss 77. Identifiers: Orphanet 90636, MedGen C2746083, MONDO:0013119, OMIM 613079.

Submission:

Myriad Genetics, Inc.
Classification: Pathogenic for Autosomal recessive nonsyndromic hearing loss 77. Last evaluated: 2026-04-30. Review status: criteria provided, single submitter. Criteria: Myriad Autosomal Dominant, Autosomal Recessive and X-Linked Classification Criteria (2023). Collection method: clinical testing. Allele origin: unknown.
Comment: NM_144612.6(LOXHD1):c.495dupC(M166Hfs*7) is a frameshift variant classified as pathogenic in the context of nonsyndromic hearing loss, LOXHD1-related. M166Hfs*7 has not been observed in cases with relevant disease. Relevant functional assessments of this variant are not available in the literature. M166Hfs*7 has not been observed in referenced population frequency databases. In summary, NM_144612.6(LOXHD1):c.495dupC(M166Hfs*7) is a frameshift variant in a gene where loss of function is a known mechanism of disease and is predicted to disrupt protein function. Please note: this variant was assessed in the context of healthy population screening.